The following is an entry in ClinVar:

NM_014712.3(SETD1A):c.542A>G (p.Glu181Gly)

Gene: SETD1A (SET domain containing 1A, histone lysine methyltransferase; plus strand). Cytogenetic location: 16p11.2.
Variant type: single nucleotide variant.
Coding change: c.542A>G on transcript NM_014712.3 (MANE Select); coding-DNA position 542, A replaced by G.
Protein change: p.Glu181Gly; replaces glutamic acid 181 with glycine.
Molecular consequence: missense variant.
Genome position (GRCh38, 1-based): chr16:30,963,457, A>G. VCF-style: chr16-30963457-A-G. GRCh37 (hg19) VCF-style: chr16-30974778-A-G.
Other names: short protein forms E181G.
Identifiers: ClinVar variation 4975504 (VCV004975504.1).

ClinVar aggregate classification (germline): Uncertain significance (1 of 4 stars; one submission).

Submission:

GeneDx
Classification: Uncertain significance. Last evaluated: 2026-01-22. Review status: criteria provided, single submitter. Criteria: GeneDx Variant Classification Process June 2021. Collection method: clinical testing. Allele origin: germline.
Comment: Not observed at significant frequency in large population cohorts (gnomAD); In silico analysis supports that this missense variant has a deleterious effect on protein structure/function; Has not been previously published as pathogenic or benign to our knowledge